The following is an entry in ClinVar:

NM_001040142.2(SCN2A):c.1076A>G (p.Asn359Ser)

Gene: SCN2A (sodium voltage-gated channel alpha subunit 2; plus strand). Cytogenetic location: 2q24.3.
Variant type: single nucleotide variant.
Coding change: c.1076A>G on transcript NM_001040142.2 (MANE Select); coding-DNA position 1076, A replaced by G.
Protein change: p.Asn359Ser; replaces asparagine 359 with serine.
Molecular consequence: missense variant.
Genome position (GRCh38, 1-based): chr2:165,313,661, A>G. VCF-style: chr2-165313661-A-G. GRCh37 (hg19) VCF-style: chr2-166170171-A-G.
Other names: c.1076A>G, p.Asn359Ser (NM_001040143.2, NM_001371246.1, NM_001371247.1 and 1 more transcripts); short protein forms N359S.
Identifiers: ClinVar variation 1320536 (VCV001320536.2), dbSNP rs746393224, ClinGen allele CA1939757.
Genomic context (GRCh38, chr2:165,313,661, plus strand): 5'-TCCTCTAACCTAATTATAGCCAGTGTCCTGAAGGATACATCTGTGTGAAGGCTGGTAGAA[A>G]CCCCAACTATGGCTACACGAGCTTTGACACCTTTAGTTGGGCCTTTTTGTCCTTATTTCG-3'
Protein context (NP_001035232.1, residues 349-369): EGYICVKAGR[Asn359Ser]PNYGYTSFDT

ClinVar aggregate classification (germline): Uncertain significance (1 of 4 stars; one submission).

Allele frequency attached by ClinVar (database versions not stated): gnomAD exomes below 0.00001; TOPMed below 0.00001; ExAC 0.00001.
gnomAD v4.1: 1 of 1,613,370 alleles (0.000062%); highest among the groups gnomAD compares: Non-Finnish European, 0.000085%; no homozygotes.

Submission:

GeneDx
Classification: Uncertain significance. Last evaluated: 2021-08-01. Review status: criteria provided, single submitter. Criteria: GeneDx Variant Classification Process June 2021. Collection method: clinical testing. Allele origin: germline. Affected: yes.
Comment: Not observed at a significant frequency in large population cohorts (Lek et al., 2016); The majority of missense variants in this gene are considered pathogenic (Stenson et al., 2014); In silico analysis, which includes protein predictors and evolutionary conservation, supports a deleterious effect; Substitution predicted to be within the extracellular loop between the S5 and S6 transmembrane segments of the first homologous domain; Has not been previously published as pathogenic or benign to our knowledge